The following is an entry in ClinVar:

ClinVar aggregate classification (germline): Uncertain significance. Review status: criteria provided, multiple submitters, no conflicts (2 of 4 stars). 2 submissions from 2 submitters: Uncertain significance (2). Last evaluated 2025-12-08.

Conditions:
Familial melanoma. Also called: Hereditary melanoma; Hereditary cutaneous melanoma. Identifiers: Orphanet 618, MedGen C1512419, MONDO:0018961.
Hereditary cancer-predisposing syndrome. Also called: Neoplastic Syndromes, Hereditary; Hereditary Cancer Syndrome; Tumor predisposition; Hereditary neoplastic syndrome. Identifiers: Orphanet 140162, MedGen C0027672, MeSH D009386, MONDO:0015356.

Submissions (2):

Labcorp Genetics (formerly Invitae), Labcorp
Classification: Uncertain significance for Familial melanoma. Last evaluated: 2025-12-08. Review status: criteria provided, single submitter. Criteria: Invitae Variant Classification Sherloc (09022015). Collection method: clinical testing. Allele origin: germline.
Comment: This sequence change replaces serine, which is neutral and polar, with leucine, which is neutral and non-polar, at codon 12 of the CDKN2A (p16INK4a) protein (p.Ser12Leu). This variant is not present in population databases (gnomAD no frequency). This variant has not been reported in the literature in individuals affected with CDKN2A (p16INK4a)-related conditions. ClinVar contains an entry for this variant (Variation ID: 236988). An algorithm developed to predict the effect of missense changes on protein structure and function outputs the following: PolyPhen-2: "Benign". The leucine amino acid residue is found in multiple mammalian species, which suggests that this missense change does not adversely affect protein function. In summary, the available evidence is currently insufficient to determine the role of this variant in disease. Therefore, it has been classified as a Variant of Uncertain Significance.

Ambry Genetics
Classification: Uncertain significance for Hereditary cancer-predisposing syndrome. Last evaluated: 2022-05-09. Review status: criteria provided, single submitter. Criteria: Ambry Variant Classification Scheme 2023. Collection method: clinical testing. Allele origin: germline.
Comment: The p.S12L variant (also known as c.35C>T), located in coding exon 1 of the CDKN2A gene, results from a C to T substitution at nucleotide position 35. The serine at codon 12 is replaced by leucine, an amino acid with dissimilar properties. This amino acid position is not well conserved in available vertebrate species. In addition, this alteration is predicted to be tolerated by in silico analysis. Since supporting evidence is limited at this time, the clinical significance of this alteration remains unclear.

NM_000077.5(CDKN2A):c.35C>T (p.Ser12Leu)

Gene: CDKN2A (cyclin dependent kinase inhibitor 2A; minus strand). Cytogenetic location: 9p21.3.
Variant type: single nucleotide variant.
Coding change: c.35C>T on transcript NM_000077.5; coding-DNA position 35, C replaced by T.
Protein change: p.Ser12Leu; replaces serine 12 with leucine.
Molecular consequence: missense variant (on NM_000077.6). On other transcripts: intron variant (2).
Genome position (GRCh38, 1-based): chr9:21,974,793, G>A on the plus strand (C>T on the coding strand, the complement: CDKN2A is on the minus strand). VCF-style: chr9-21974793-G-A. GRCh37 (hg19) VCF-style: chr9-21974792-G-A.
Other names: c.35C>T, p.Ser12Leu (NM_000077.6, NM_001195132.2, NM_058197.5); c.-3-3585C>T (NM_001363763.2); c.194-3585C>T (NM_058195.4); short protein forms S12L.
Identifiers: ClinVar variation 236988 (VCV000236988.13), dbSNP rs141798398, ClinGen allele CA10582658.